The following is an entry in ClinVar:

NM_006348.5(COG5):c.1838A>G (p.Gln613Arg)

Gene: COG5 (component of oligomeric golgi complex 5; minus strand). Cytogenetic location: 7q22.3.
Variant type: single nucleotide variant.
Coding change: c.1838A>G on transcript NM_006348.5 (MANE Select); coding-DNA position 1838, A replaced by G.
Protein change: p.Gln613Arg; replaces glutamine 613 with arginine.
Molecular consequence: missense variant.
Genome position (GRCh38, 1-based): chr7:107,248,411, T>C on the plus strand (A>G on the coding strand, the complement: COG5 is on the minus strand). VCF-style: chr7-107248411-T-C. GRCh37 (hg19) VCF-style: chr7-106888856-T-C.
Other names: c.1838A>G, p.Gln613Arg (NM_001161520.2, NM_001379513.1, NM_001379514.1); c.1676A>G, p.Gln559Arg (NM_001379511.1); c.1664A>G, p.Gln555Arg (NM_001379512.1); c.1268A>G, p.Gln423Arg (NM_001379515.1); c.1124A>G, p.Gln375Arg (NM_001379516.1); c.1775A>G, p.Gln592Arg (NM_181733.4); short protein forms Q613R, Q375R, Q423R, Q555R, Q559R, Q592R.
Identifiers: ClinVar variation 1400628 (VCV001400628.4), dbSNP rs1186643281, ClinGen allele CA368940324.

ClinVar aggregate classification (germline): Uncertain significance (1 of 4 stars; one submission).

Conditions:
COG5-congenital disorder of glycosylation. Also called: COG5-CDG; CDG IIi; CONGENITAL DISORDER OF GLYCOSYLATION, TYPE IIi. Identifiers: Orphanet 263487, MedGen C3150876, MONDO:0013325, OMIM 613612.

Allele frequency attached by ClinVar (database versions not stated): TOPMed below 0.00001; gnomAD 0.00001; gnomAD exomes 0.00001.
gnomAD v4.1: 12 of 1,608,720 alleles (0.00075%); highest among the groups gnomAD compares: South Asian, 0.0011%; no homozygotes.

Submission:

Labcorp Genetics (formerly Invitae), Labcorp
Classification: Uncertain significance for COG5-congenital disorder of glycosylation. Last evaluated: 2022-02-28. Review status: criteria provided, single submitter. Criteria: Invitae Variant Classification Sherloc (09022015). Collection method: clinical testing. Allele origin: germline.
Comment: This sequence change replaces glutamine, which is neutral and polar, with arginine, which is basic and polar, at codon 644 of the COG5 protein (p.Gln644Arg). This variant is present in population databases (no rsID available, gnomAD 0.007%). This variant has not been reported in the literature in individuals affected with COG5-related conditions. Algorithms developed to predict the effect of missense changes on protein structure and function (SIFT, PolyPhen-2, Align-GVGD) all suggest that this variant is likely to be tolerated. In summary, the available evidence is currently insufficient to determine the role of this variant in disease. Therefore, it has been classified as a Variant of Uncertain Significance.